The following is an entry in ClinVar:

ClinVar aggregate classification (germline): Uncertain significance (1 of 4 stars; one submission).

Conditions:
Inborn genetic diseases. Identifiers: MedGen C0950123, MeSH D030342.

Submission:

Ambry Genetics
Classification: Uncertain significance for Inborn genetic diseases. Last evaluated: 2021-03-24. Review status: criteria provided, single submitter. Criteria: Ambry Variant Classification Scheme 2023. Collection method: clinical testing. Allele origin: germline.
Comment: The c.85_86insGGGGGG (p.A28_A29insGG) alteration is located in exon 1 (coding exon 1) of the ZIC2 gene. The alteration consists of an in-frame insertion of 6 nucleotides between nucleotide positions c.85 and c.86, resulting in the insertion of <NA> residues. Based on insufficient or conflicting evidence, the clinical significance of this alteration remains unclear.

NM_007129.5(ZIC2):c.85_86insGGGGGG (p.Ala28_Ala29insGlyGly)

Gene: ZIC2 (Zic family member 2; plus strand). Cytogenetic location: 13q32.3.
Variant type: Insertion.
Coding change: c.85_86insGGGGGG on transcript NM_007129.5 (MANE Select); coding-DNA positions 85 to 86, GGGGGG inserted.
Protein change: p.Ala28_Ala29insGlyGly.
Molecular consequence: inframe insertion.
Genome position: GRCh38 VCF-style: chr13-99982147-C-CGGGGGG. GRCh37 (hg19) VCF-style: chr13-100634401-C-CGGGGGG.
Identifiers: ClinVar variation 2229706 (VCV002229706.2), dbSNP rs2501541341, ClinGen allele CA1165253814.
Genomic context (GRCh38, chr13:99,982,147, plus strand): 5'-AGTTCCCGGCCATCGGGGTGGGCAGCTTCGCGCGCCACCATCACCACTCCGCCGCGGCGG[C>CGGGGGG]GGCGGCGGCTGCCGCCGAGATGCAGGACCGTGAACTGAGCCTGGCGGCGGCGCAGAACGG-3'